The following is an entry in ClinVar:

ClinVar aggregate classification (germline): Pathogenic/Likely pathogenic. Review status: criteria provided, multiple submitters, no conflicts (2 of 4 stars). 7 submissions from 7 submitters: Pathogenic (2); Likely pathogenic (3). 2 of the submissions do not count toward it. Last evaluated 2025-09-22.

Conditions:
Cardiovascular phenotype. Identifiers: MedGen CN230736.
ALMS1-related disorder. Also called: ALMS1-related condition.
Alstrom syndrome (ALMS). Identifiers: Orphanet 64, MedGen C0268425, MONDO:0008763, OMIM 203800.

Allele frequency attached by ClinVar (database versions not stated): TOPMed below 0.00001; gnomAD exomes 0.00001; ExAC 0.00002.
gnomAD v4.1: 12 of 1,613,604 alleles (0.00074%); highest among the groups gnomAD compares: Admixed American, 0.0017%; no homozygotes.

Submissions (7):

Labcorp Genetics (formerly Invitae), Labcorp
Classification: Pathogenic for Alstrom syndrome. Last evaluated: 2025-09-22. Review status: criteria provided, single submitter. Criteria: Invitae Variant Classification Sherloc (09022015). Collection method: clinical testing. Allele origin: germline.
Comment: This sequence change creates a premature translational stop signal (p.Arg1819*) in the ALMS1 gene. It is expected to result in an absent or disrupted protein product. Loss-of-function variants in ALMS1 are known to be pathogenic (PMID: 17594715). This variant is present in population databases (rs749339938, gnomAD 0.004%). This premature translational stop signal has been observed in individual(s) with clinical features of Alstrom syndrome (PMID: 25846608). ClinVar contains an entry for this variant (Variation ID: 866994). For these reasons, this variant has been classified as Pathogenic.

Natera, Inc.
Classification: Likely pathogenic for Alstrom syndrome. Last evaluated: 2024-05-24. Review status: criteria provided, single submitter. Criteria: Natera Variant Classification Schema (03/2026). Collection method: clinical testing. Allele origin: germline.
Comment: The c.5455C>T variant in ALMS1 is a nonsense variant predicted to introduce a stop codon at amino acid 1819. This variant is expected to result in nonsense mediated decay, truncation, or a dysfunctional protein product. This variant is rare in the general population with a frequency below the threshold expected for the associated phenotype(s). Given the available evidence, this variant is classified as Likely Pathogenic.

Ambry Genetics
Classification: Pathogenic for Cardiovascular phenotype. Last evaluated: 2023-05-19. Review status: criteria provided, single submitter. Criteria: Ambry Variant Classification Scheme 2023. Collection method: clinical testing. Allele origin: germline.
Comment: The p.R1819* pathogenic mutation (also known as c.5455C>T), located in coding exon 8 of the ALMS1 gene, results from a C to T substitution at nucleotide position 5455. This changes the amino acid from an arginine to a stop codon within coding exon 8. This alteration has been reported in an Alstr&ouml;m syndrome cohort (Marshall JD et al. Hum Mutat, 2015 Jul;36:660-8). In addition to the clinical data presented in the literature, this alteration is expected to result in loss of function by premature protein truncation or nonsense-mediated mRNA decay. As such, this alteration is interpreted as a disease-causing mutation.

Fulgent Genetics
Classification: Likely pathogenic for Alstrom syndrome. Last evaluated: 2021-11-25. Review status: criteria provided, single submitter. Criteria: ACMG Guidelines, 2015. Collection method: clinical testing. Allele origin: unknown.

Blueprint Genetics
Classification: Likely pathogenic for ALMS1-related disorders. Last evaluated: 2018-08-28. Review status: criteria provided, single submitter. Criteria: ACMG Guidelines, 2015. Collection method: clinical testing. Allele origin: germline. Affected: yes. Observed: 1 variant allele.

Clinical Genetics, Academic Medical Center
Classification: Likely pathogenic. Review status: no assertion criteria provided. Collection method: clinical testing. Allele origin: germline. Affected: yes. Study: VKGL Data-share Consensus. Not counted in ClinVar's aggregate classification.

Genome Diagnostics Laboratory, University Medical Center Utrecht
Classification: Likely pathogenic. Review status: no assertion criteria provided. Collection method: clinical testing. Allele origin: germline. Affected: yes. Study: VKGL Data-share Consensus. Not counted in ClinVar's aggregate classification.

Literature cited by the submitters: PubMed 17594715 (cited by Labcorp Genetics (formerly Invitae), Labcorp); PubMed 25846608 (cited by Labcorp Genetics (formerly Invitae), Labcorp and Ambry Genetics).

NM_001378454.1(ALMS1):c.5452C>T (p.Arg1818Ter)

Gene: ALMS1 (ALMS1 centrosome and basal body associated protein; plus strand). Cytogenetic location: 2p13.1.
Variant type: single nucleotide variant.
Coding change: c.5452C>T on transcript NM_001378454.1 (MANE Select); coding-DNA position 5452, C replaced by T.
Protein change: p.Arg1818Ter; replaces arginine 1818 with a stop codon.
Molecular consequence: nonsense.
Genome position (GRCh38, 1-based): chr2:73,451,979, C>T. VCF-style: chr2-73451979-C-T. GRCh37 (hg19) VCF-style: chr2-73679106-C-T.
Other names: c.5455C>T, p.Arg1819Ter (NM_015120.4); short protein forms R1819*, R1818*.
Identifiers: ClinVar variation 866994 (VCV000866994.17), dbSNP rs749339938, ClinGen allele CA1713885.